The following is an entry in ClinVar:

NM_000155.4(GALT):c.468_469delinsT (p.Val157fs)

Gene: GALT (galactose-1-phosphate uridylyltransferase; plus strand). Cytogenetic location: 9p13.3.
Variant type: Indel.
Coding change: c.468_469delinsT on transcript NM_000155.4 (MANE Select); coding-DNA positions 468 to 469, AG replaced by T.
Protein change: p.Val157fs; shifts the reading frame from valine 157.
Molecular consequence: frameshift variant.
Genome position (GRCh38, 1-based): chr9:34,647,922-34,647,923, AG replaced by T. VCF-style: chr9-34647922-AG-T. GRCh37 (hg19) VCF-style: chr9-34647919-AG-T.
Other names: c.141_142delinsT, p.Val48fs (NM_001258332.2); short protein forms V157fs, V48fs.
Identifiers: ClinVar variation 1725399 (VCV001725399.2), dbSNP rs2492866721, ClinGen allele CA2580080388.
Genomic context (GRCh38, chr9:34,647,922, plus strand): 5'-TGTAACGCTGCCACTCATGTCGGTCCCTGAGATCCGGGCTGTTGTTGATGCATGGGCCTC[AG>T]TCACAGAGGAGCTGGGTGCCCAGTACCCTTGGGTGCAGGTTTGTGAGGTCGCCCCTTCCC-3'

ClinVar aggregate classification (germline): Likely pathogenic (1 of 4 stars; one submission).

Conditions:
Deficiency of UDPglucose-hexose-1-phosphate uridylyltransferase. Also called: GALACTOSE-1-PHOSPHATE URIDYLYLTRANSFERASE DEFICIENCY; Transferase Deficiency Galactosemia; GALACTOSEMIA I; GALT deficiency; Galactosemia, classic. Identifiers: Orphanet 352, Orphanet 79239, MedGen C0268151, MONDO:0009258, OMIM 230400.

Submission:

Myriad Genetics, Inc.
Classification: Likely pathogenic for Deficiency of UDPglucose-hexose-1-phosphate uridylyltransferase. Last evaluated: 2022-03-18. Review status: criteria provided, single submitter. Criteria: Myriad Women's Health Autosomal Recessive and X-Linked Classification Criteria (2021). Collection method: clinical testing. Allele origin: unknown.
Comment: NM_000155.3(GALT):c.468_469delAGinsT(V157Sfs*21) is expected to be pathogenic in the context of galactosemia. This variant is predicted to lead to an abnormal or absent protein product due to the creation of a premature termination codon in GALT, a gene where loss-of-function variants are known to be pathogenic. Please note: this variant was assessed in the context of healthy population screening.